The following is an entry in ClinVar:

NM_002185.5(IL7R):c.16A>G (p.Thr6Ala)

Gene: IL7R (interleukin 7 receptor; plus strand). Cytogenetic location: 5p13.2.
Variant type: single nucleotide variant.
Coding change: c.16A>G on transcript NM_002185.5 (MANE Select); coding-DNA position 16, A replaced by G.
Protein change: p.Thr6Ala; replaces threonine 6 with alanine.
Molecular consequence: missense variant. On other transcripts: non-coding transcript variant (1).
Genome position (GRCh38, 1-based): chr5:35,856,993, A>G. VCF-style: chr5-35856993-A-G. GRCh37 (hg19) VCF-style: chr5-35857095-A-G.
Other names: short protein forms T6A.
Identifiers: ClinVar variation 1063119 (VCV001063119.9), dbSNP rs1580848036, ClinGen allele CA359425654.

ClinVar aggregate classification (germline): Uncertain significance (1 of 4 stars; one submission).

Conditions:
Immunodeficiency 104. Also called: Severe combined immunodeficiency, autosomal recessive, T cell-negative, B cell-positive, NK cell-positive; IMMUNODEFICIENCY 104, SEVERE COMBINED; SCID, AUTOSOMAL RECESSIVE, T CELL-NEGATIVE, B CELL-POSITIVE, NK CELL-POSITIVE; Severe Combined Immune Deficiency, Autosomal Recessive, TCell -Negative, B Cell-Positive, NK Cell-Positive, IL7R-Related. Identifiers: MedGen C5676890, MONDO:0012163, OMIM 608971.

Submission:

Labcorp Genetics (formerly Invitae), Labcorp
Classification: Uncertain significance for Immunodeficiency 104. Last evaluated: 2020-10-02. Review status: criteria provided, single submitter. Criteria: Invitae Variant Classification Sherloc (09022015). Collection method: clinical testing. Allele origin: germline.
Comment: This sequence change replaces threonine with alanine at codon 6 of the IL7R protein (p.Thr6Ala). The threonine residue is moderately conserved and there is a small physicochemical difference between threonine and alanine. This variant is not present in population databases (ExAC no frequency). This variant has not been reported in the literature in individuals with IL7R-related conditions. Advanced modeling of protein sequence and biophysical properties (such as structural, functional, and spatial information, amino acid conservation, physicochemical variation, residue mobility, and thermodynamic stability) performed at Invitae indicates that this missense variant is expected to disrupt IL7R protein function. In summary, the available evidence is currently insufficient to determine the role of this variant in disease. Therefore, it has been classified as a Variant of Uncertain Significance.